The following is an entry in ClinVar:

ClinVar aggregate classification (germline): Uncertain significance. Review status: criteria provided, multiple submitters, no conflicts (2 of 4 stars). 2 submissions from 2 submitters: Uncertain significance (2). Last evaluated 2025-06-10.

Conditions:
Inborn genetic diseases. Identifiers: MedGen C0950123, MeSH D030342.
Baller-Gerold syndrome (BGS). Also called: CRANIOSYNOSTOSIS WITH RADIAL DEFECTS. Identifiers: Orphanet 1225, MedGen C0265308, MONDO:0009039, OMIM 218600.

Allele frequency attached by ClinVar (database versions not stated): TOPMed below 0.00001; gnomAD 0.00001; ExAC 0.00002.

Submissions (2):

Ambry Genetics
Classification: Uncertain significance for Inborn genetic diseases. Last evaluated: 2025-06-10. Review status: criteria provided, single submitter. Criteria: Ambry Variant Classification Scheme 2023. Collection method: clinical testing. Allele origin: germline.
Comment: The p.P430L variant (also known as c.1289C>T), located in coding exon 7 of the RECQL4 gene, results from a C to T substitution at nucleotide position 1289. The proline at codon 430 is replaced by leucine, an amino acid with similar properties. This amino acid position is conserved. In addition, this alteration is predicted to be tolerated by in silico analysis. Based on the available evidence, the clinical significance of this variant remains unclear.

Labcorp Genetics (formerly Invitae), Labcorp
Classification: Uncertain significance for Baller-Gerold syndrome. Last evaluated: 2023-01-28. Review status: criteria provided, single submitter. Criteria: Invitae Variant Classification Sherloc (09022015). Collection method: clinical testing. Allele origin: germline.
Comment: This sequence change replaces proline, which is neutral and non-polar, with leucine, which is neutral and non-polar, at codon 430 of the RECQL4 protein (p.Pro430Leu). In summary, the available evidence is currently insufficient to determine the role of this variant in disease. Therefore, it has been classified as a Variant of Uncertain Significance. Algorithms developed to predict the effect of missense changes on protein structure and function output the following: SIFT: "Not Available"; PolyPhen-2: "Not Available"; Align-GVGD: "Not Available". The leucine amino acid residue is found in multiple mammalian species, which suggests that this missense change does not adversely affect protein function. This variant has not been reported in the literature in individuals affected with RECQL4-related conditions. This variant is present in population databases (rs767742066, gnomAD 0.002%).

NM_004260.4(RECQL4):c.1289C>T (p.Pro430Leu)

Gene: RECQL4 (RecQ like helicase 4; minus strand). Cytogenetic location: 8q24.3.
Variant type: single nucleotide variant.
Coding change: c.1289C>T on transcript NM_004260.4 (MANE Select); coding-DNA position 1289, C replaced by T.
Protein change: p.Pro430Leu; replaces proline 430 with leucine.
Molecular consequence: missense variant. On other transcripts: 5 prime UTR variant (1), non-coding transcript variant (3).
Genome position (GRCh38, 1-based): chr8:144,515,427, G>A on the plus strand (C>T on the coding strand, the complement: RECQL4 is on the minus strand). VCF-style: chr8-144515427-G-A. GRCh37 (hg19) VCF-style: chr8-145740811-G-A.
Other names: c.1289C>T, p.Pro430Leu (NM_001413018.1, NM_001413019.1, NM_001413039.1 and 2 more transcripts); c.1193C>T, p.Pro398Leu (NM_001413020.1, NM_001413017.1); c.218C>T, p.Pro73Leu (NM_001413021.1, NM_001413022.1, NM_001413023.1 and 8 more transcripts); c.1160C>T, p.Pro387Leu (NM_001413025.1); c.152C>T, p.Pro51Leu (NM_001413027.1, NM_001413041.1, NM_001413030.1 and 2 more transcripts); c.-179C>T (NM_001413043.1); c.938C>T, p.Pro313Leu (NM_001413029.1); c.1289C>T (NM_004260.3); short protein forms P51L, P313L, P398L, P430L, P387L, P73L.
Identifiers: ClinVar variation 2975954 (VCV002975954.4), dbSNP rs767742066, ClinGen allele CA4948920.